The following is an entry in ClinVar:

ClinVar aggregate classification (germline): Uncertain significance (1 of 4 stars; one submission).

Conditions:
Frank-Ter Haar syndrome. Also called: Borrone di Rocco Crovato syndrome; TER HAAR SYNDROME; MELNICK-NEEDLES SYNDROME, AUTOSOMAL RECESSIVE; BORRONE DERMATOCARDIOSKELETAL SYNDROME. Identifiers: Orphanet 1266, Orphanet 137834, MedGen C1855305, MONDO:0009579, OMIM 249420.

gnomAD v4.1: 2 of 1,614,112 alleles (0.00012%); highest among the groups gnomAD compares: Non-Finnish European, 0.000085%; no homozygotes.

Submission:

Center for Human Genetics and Genomic Medicine, Uniklinik Rwth Aachen
Classification: Uncertain significance for Frank-Ter Haar syndrome. Last evaluated: 2022-10-17. Review status: criteria provided, single submitter. Criteria: ACMG Guidelines, 2015. Collection method: clinical testing. Allele origin: inherited. Inheritance: Autosomal recessive inheritance. Affected: yes. Observed: 1 homozygote.
Comment: The variant is reported in the dbSNP database (dbSNP151, rs1246166974). It is listed in gnomAD/Exomes (v2.1.1) with a frequency of 0.000795% (2/251454). The variant has not been previously described in ClinVar or in the literature. Bioinformatic prediction programs evaluate the variant inconsistently (SIFT: deleterious, PolyPhen2: possibly damaging, MutationTaster: benign). In summary, the variant is to be considered as "variant of unknown significance" (ACMG criteria).

NM_001017995.3(SH3PXD2B):c.452C>T (p.Pro151Leu)

Gene: SH3PXD2B (SH3 and PX domains 2B; minus strand). Cytogenetic location: 5q35.1.
Variant type: single nucleotide variant.
Coding change: c.452C>T on transcript NM_001017995.3 (MANE Select); coding-DNA position 452, C replaced by T.
Protein change: p.Pro151Leu; replaces proline 151 with leucine.
Molecular consequence: missense variant.
Genome position (GRCh38, 1-based): chr5:172,362,845, G>A on the plus strand (C>T on the coding strand, the complement: SH3PXD2B is on the minus strand). VCF-style: chr5-172362845-G-A. GRCh37 (hg19) VCF-style: chr5-171789849-G-A.
Other names: c.452C>T, p.Pro151Leu (NM_001308175.2); short protein forms P151L.
Identifiers: ClinVar variation 1711139 (VCV001711139.2), dbSNP rs1246166974, ClinGen allele CA362144026.